The following is an entry in ClinVar:

ClinVar aggregate classification (germline): Pathogenic (1 of 4 stars; one submission).

Conditions:
Brugada syndrome 5 (BRGDA5). Identifiers: Orphanet 130, Orphanet 871, MedGen C2748541, MONDO:0013015, OMIM 612838.

Submission:

Labcorp Genetics (formerly Invitae), Labcorp
Classification: Pathogenic for Brugada syndrome 5. Last evaluated: 2024-04-17. Review status: criteria provided, single submitter. Criteria: Invitae Variant Classification Sherloc (09022015). Collection method: clinical testing. Allele origin: germline.
Comment: This sequence change creates a premature translational stop signal (p.Gly150Valfs*89) in the SCN1B gene. While this is not anticipated to result in nonsense mediated decay, it is expected to disrupt the last 119 amino acid(s) of the SCN1B protein. This variant is not present in population databases (gnomAD no frequency). This variant has not been reported in the literature in individuals affected with SCN1B-related conditions. ClinVar contains an entry for this variant (Variation ID: 2035464). This variant disrupts a region of the SCN1B protein in which other variant(s) (p.Trp179*) have been determined to be pathogenic (PMID: 18464934; Invitae). This suggests that this is a clinically significant region of the protein, and that variants that disrupt it are likely to be disease-causing. For these reasons, this variant has been classified as Pathogenic.

Literature cited by the submitters: PubMed 18464934.

NM_001037.5(SCN1B):c.447del (p.Ala150fs)

Gene: SCN1B (sodium voltage-gated channel beta subunit 1; plus strand). Cytogenetic location: 19q13.11.
Variant type: Deletion.
Coding change: c.447del on transcript NM_001037.5 (MANE Select); coding-DNA position 447, one base deleted (A; older notation c.447delA).
Protein change: p.Ala150fs; shifts the reading frame from alanine 150.
Molecular consequence: frameshift variant.
Genome position (GRCh38, 1-based): chr19:35,033,738, A deleted; the last of 3 consecutive A bases (chr19:35,033,736-35,033,738); deleting any one gives the same sequence. VCF-style (leftmost placement, unchanged base first): chr19-35033735-CA-C. GRCh37 (hg19) VCF-style: chr19-35524639-CA-C.
Other names: c.348del, p.Ala117fs (NM_001321605.2); c.447del, p.Gly150fs (NM_199037.5); short protein forms A150fs, G150fs, A117fs.
Identifiers: ClinVar variation 2035464 (VCV002035464.4), dbSNP rs2514234786, ClinGen allele CA2580096803.